The following is an entry in ClinVar:

ClinVar aggregate classification (germline): Uncertain significance (1 of 4 stars; one submission).

Conditions:
Kabuki syndrome 1 (KABUK1). Also called: KMT2D-Related Kabuki Syndrome. Identifiers: Orphanet 2322, MedGen CN030661, MONDO:0007843, OMIM 147920.

Submission:

3billion
Classification: Uncertain significance for Kabuki syndrome 1. Last evaluated: 2024-07-04. Review status: criteria provided, single submitter. Criteria: ACMG Guidelines, 2015. Collection method: clinical testing. Allele origin: germline. Affected: yes.
Comment: The variant is not observed in the gnomAD v4.0.0 dataset. Predicted Consequence/Location: Missense variant In silico tool predictions suggest damaging effect of the variant on gene or gene product [REVEL: 0.62 (>=0.6, sensitivity 0.68 and specificity 0.92); 3Cnet: 0.86 (>=0.6, sensitivity 0.72 and precision 0.9)]. Therefore, this variant is classified as VUS according to the recommendation of ACMG/AMP guideline.

NM_003482.4(KMT2D):c.15182A>T (p.Asn5061Ile)

Gene: KMT2D (lysine methyltransferase 2D; minus strand). Cytogenetic location: 12q13.12.
Variant type: single nucleotide variant.
Coding change: c.15182A>T on transcript NM_003482.4 (MANE Select); coding-DNA position 15182, A replaced by T.
Protein change: p.Asn5061Ile; replaces asparagine 5061 with isoleucine.
Molecular consequence: missense variant.
Genome position (GRCh38, 1-based): chr12:49,026,784, T>A on the plus strand (A>T on the coding strand, the complement: KMT2D is on the minus strand). VCF-style: chr12-49026784-T-A. GRCh37 (hg19) VCF-style: chr12-49420567-T-A.
Other names: short protein forms N5061I.
Identifiers: ClinVar variation 4291952 (VCV004291952.1).
Genomic context (GRCh38, chr12:49,026,784, plus strand): 5'-TCCACATTCATCAGTGCCCCGCCCTGGGTCTCATACACCTCCGTGGACCAAAGGGCACAG[T>A]TGAGGTGCACCCACAGGTCCAGGTCCAGGTTCAGCAGACGGGCAGGCCCATCAGTGGCCC-3'
Protein context (NP_003473.3, residues 5051-5071): NLDLDLWVHL[Asn5061Ile]CALWSTEVYE